The following is an entry in ClinVar:

ClinVar aggregate classification (germline): Uncertain significance (1 of 4 stars; one submission).

gnomAD v4.1: 3 of 1,614,112 alleles (0.00019%); highest among the groups gnomAD compares: Non-Finnish European, 0.00025%; no homozygotes.

Submission:

GeneDx
Classification: Uncertain significance. Last evaluated: 2023-08-03. Review status: criteria provided, single submitter. Criteria: GeneDx Variant Classification Process June 2021. Collection method: clinical testing. Allele origin: germline. Affected: yes.
Comment: Not observed at significant frequency in large population cohorts (gnomAD); In silico analysis supports that this missense variant has a deleterious effect on protein structure/function; Has not been previously published as pathogenic or benign to our knowledge

NM_020754.4(ARHGAP31):c.337G>A (p.Glu113Lys)

Gene: ARHGAP31 (Rho GTPase activating protein 31; plus strand). Cytogenetic location: 3q13.33.
Variant type: single nucleotide variant.
Coding change: c.337G>A on transcript NM_020754.4 (MANE Select); coding-DNA position 337, G replaced by A.
Protein change: p.Glu113Lys; replaces glutamic acid 113 with lysine.
Molecular consequence: missense variant.
Genome position (GRCh38, 1-based): chr3:119,368,505, G>A. VCF-style: chr3-119368505-G-A. GRCh37 (hg19) VCF-style: chr3-119087352-G-A.
Other names: short protein forms E113K.
Identifiers: ClinVar variation 3361838 (VCV003361838.1).
Genomic context (GRCh38, chr3:119,368,505, plus strand): 5'-TCGCTTTGCAAGCTCTACTTTAGGGAGCTGCCCAACCCCCTCCTGACTTATGAGCTCTAT[G>A]AGAAATTCACGGTGAGTGTTTGGATTTCCATTATGGTTACTGGGTGGGATGCATGGATGG-3'
Protein context (NP_065805.2, residues 103-123): PNPLLTYELY[Glu113Lys]KFTEAVSHCP